The following is an entry in ClinVar:

NM_001101426.4(CRPPA):c.947C>A (p.Thr316Lys)

Genes: CRPPA-AS1 (CRPPA antisense RNA 1; plus strand), CRPPA (CDP-L-ribitol pyrophosphorylase A; minus strand). Cytogenetic location: 7p21.2.
Variant type: single nucleotide variant.
Coding change: c.947C>A on transcript NM_001101426.4 (MANE Select); coding-DNA position 947, C replaced by A.
Protein change: p.Thr316Lys; replaces threonine 316 with lysine.
Molecular consequence: missense variant. On other transcripts: non-coding transcript variant (1).
Genome position (GRCh38, 1-based): chr7:16,258,999, G>T on the plus strand (C>A on the coding strand, the complement: CRPPA is on the minus strand). VCF-style: chr7-16258999-G-T. GRCh37 (hg19) VCF-style: chr7-16298624-G-T.
Other names: p.Thr316Lys; c.797C>A, p.Thr266Lys (NM_001101417.4); c.842C>A, p.Thr281Lys (NM_001368197.1); short protein forms T316K, T281K, T266K.
Identifiers: ClinVar variation 198454 (VCV000198454.47), dbSNP rs114363936, ClinGen allele CA203457.

ClinVar aggregate classification (germline): Benign/Likely benign. Review status: criteria provided, multiple submitters, no conflicts (2 of 4 stars). 11 submissions from 11 submitters: Benign (7); Likely benign (2). 2 of the submissions do not count toward it. Last evaluated 2026-01-26.

Conditions:
Congenital Muscular Dystrophy, alpha-dystroglycan related.
Autosomal recessive limb-girdle muscular dystrophy type 2U. Also called: Muscular dystrophy-dystroglycanopathy (limb-girdle), type c, 7; MUSCULAR DYSTROPHY, LIMB-GIRDLE, TYPE 2U. Identifiers: Orphanet 352479, MedGen C5190987, MONDO:0014474, OMIM 616052.
Muscular dystrophy-dystroglycanopathy (congenital with brain and eye anomalies), type A, 7. Also called: WALKER-WARBURG SYNDROME OR MUSCLE-EYE-BRAIN DISEASE, ISPD-RELATED; Congenital muscular dystrophy-dystroglycanopathy with brain and eye anomalies, type A7. Identifiers: Orphanet 899, MedGen C3553330, MONDO:0013835, OMIM 614643.

Allele frequency attached by ClinVar (database versions not stated): gnomAD exomes 0.00060 and 0.00150; ExAC 0.00211; ESP Exome Variant Server 0.00628; gnomAD 0.00657 and 0.00703; TOPMed 0.00757; 1000 Genomes Project 0.00879; 1000 Genomes Project 30x 0.00984.
gnomAD v4.1: 1,925 of 1,609,120 alleles (0.12%); highest among the groups gnomAD compares: African/African-American, 2.2%; 24 homozygotes.

Submissions (11):

Labcorp Genetics (formerly Invitae), Labcorp
Classification: Benign for Muscular dystrophy-dystroglycanopathy (congenital with brain and eye anomalies), type A, 7; Autosomal recessive limb-girdle muscular dystrophy type 2U. Last evaluated: 2026-01-26. Review status: criteria provided, single submitter. Criteria: Invitae Variant Classification Sherloc (09022015). Collection method: clinical testing. Allele origin: germline.

Blueprint Genetics
Classification: Likely benign. Last evaluated: 2024-11-13. Review status: criteria provided, single submitter. Criteria: ACMG Guidelines, 2015. Collection method: clinical testing. Allele origin: germline.

CeGaT Center for Human Genetics Tuebingen
Classification: Benign. Last evaluated: 2023-12-01. Review status: criteria provided, single submitter. Criteria: CeGaT Center For Human Genetics Tuebingen Variant Classification Criteria Version 2. Collection method: clinical testing. Allele origin: germline. Affected: yes. Observed: 1 variant allele.
Comment: CRPPA: BP4, BS1, BS2

Fulgent Genetics
Classification: Likely benign for Muscular dystrophy-dystroglycanopathy (congenital with brain and eye anomalies), type A, 7; Autosomal recessive limb-girdle muscular dystrophy type 2U. Last evaluated: 2021-09-01. Review status: criteria provided, single submitter. Criteria: ACMG Guidelines, 2015. Collection method: clinical testing. Allele origin: unknown.

Mayo Clinic Laboratories, Mayo Clinic
Classification: Benign. Last evaluated: 2019-03-08. Review status: criteria provided, single submitter. Criteria: ACMG Guidelines, 2015. Collection method: clinical testing. Allele origin: germline. Observed: 3 variant alleles.

Illumina Laboratory Services, Illumina
Classification: Benign for Congenital Muscular Dystrophy, alpha-dystroglycan related. Last evaluated: 2018-01-13. Review status: criteria provided, single submitter. Criteria: ICSL Variant Classification Criteria 13 December 2019. Collection method: clinical testing. Allele origin: germline.
Comment: This variant was observed in the ICSL laboratory as part of a predisposition screen in an ostensibly healthy population. It had not been previously curated by ICSL or reported in the Human Gene Mutation Database (HGMD: prior to June 1st, 2018), and was therefore a candidate for classification through an automated scoring system. Utilizing variant allele frequency, disease prevalence and penetrance estimates, and inheritance mode, an automated score was calculated to assess if this variant is too frequent to cause the disease. Based on the score and internal cut-off values, a variant classified as benign is not then subjected to further curation. The score for this variant resulted in a classification of benign for this disease.

GeneDx
Classification: Benign. Last evaluated: 2016-01-14. Review status: criteria provided, single submitter. Criteria: GeneDx Variant Classification (06012015). Collection method: clinical testing. Allele origin: germline. Affected: yes.
Comment: This variant is considered likely benign or benign based on one or more of the following criteria: it is a conservative change, it occurs at a poorly conserved position in the protein, it is predicted to be benign by multiple in silico algorithms, and/or has population frequency not consistent with disease.

Eurofins Ntd Llc (ga)
Classification: Benign. Last evaluated: 2015-05-26. Review status: criteria provided, single submitter. Criteria: EGL Classification Definitions 2015. Collection method: clinical testing. Allele origin: germline. Observed: 1 variant allele, 1 homozygote.

PreventionGenetics, part of Exact Sciences
Classification: Benign. Review status: criteria provided, single submitter. Criteria: ACMG Guidelines, 2015. Collection method: clinical testing. Allele origin: germline.

Clinical Genetics DNA and cytogenetics Diagnostics Lab, Erasmus MC, Erasmus Medical Center
Classification: Likely benign. Review status: no assertion criteria provided. Collection method: clinical testing. Allele origin: germline. Affected: yes. Study: VKGL Data-share Consensus. Not counted in ClinVar's aggregate classification.

Laboratory of Diagnostic Genome Analysis, Leiden University Medical Center (LUMC)
Classification: Likely benign. Review status: no assertion criteria provided. Collection method: clinical testing. Allele origin: germline. Affected: yes. Study: VKGL Data-share Consensus. Not counted in ClinVar's aggregate classification.